The following is an entry in ClinVar:

NM_003002.4(SDHD):c.199A>G (p.Thr67Ala)

Gene: SDHD (succinate dehydrogenase complex subunit D; plus strand). Cytogenetic location: 11q23.1.
Variant type: single nucleotide variant.
Coding change: c.199A>G on transcript NM_003002.4 (MANE Select); coding-DNA position 199, A replaced by G.
Protein change: p.Thr67Ala; replaces threonine 67 with alanine.
Molecular consequence: missense variant. On other transcripts: non-coding transcript variant (1), intron variant (1).
Genome position (GRCh38, 1-based): chr11:112,088,896, A>G. VCF-style: chr11-112088896-A-G. GRCh37 (hg19) VCF-style: chr11-111959620-A-G.
Other names: c.82A>G, p.Thr28Ala (NM_001276504.2); c.199A>G, p.Thr67Ala (NM_001276506.2); c.169+923A>G (NM_001276503.2); short protein forms T28A, T67A.
Identifiers: ClinVar variation 1399449 (VCV001399449.4), dbSNP rs2135269250, ClinGen allele CA382617211.

ClinVar aggregate classification (germline): Uncertain significance (1 of 4 stars; one submission).

Conditions:
Carney-Stratakis syndrome. Also called: PARAGANGLIOMA AND GASTROINTESTINAL STROMAL TUMOR. Identifiers: Orphanet 97286, MedGen C1847319, MONDO:0011740, OMIM 606864.
Pheochromocytoma. Also called: MAX-Related Hereditary Paraganglioma-Pheochromocytoma Syndrome. Identifiers: Orphanet 29072, MedGen C0031511, MONDO:0008233, OMIM 171300, HP:0002666.
Paragangliomas with sensorineural hearing loss. Identifiers: MedGen C1868633.
Cowden syndrome 3 (CWS3). Identifiers: Orphanet 201, MedGen CN166604, MONDO:0014045.

Submission:

Labcorp Genetics (formerly Invitae), Labcorp
Classification: Uncertain significance for Carney-Stratakis syndrome; Paragangliomas with sensorineural hearing loss; Pheochromocytoma; Cowden syndrome 3. Last evaluated: 2022-02-04. Review status: criteria provided, single submitter. Criteria: Invitae Variant Classification Sherloc (09022015). Collection method: clinical testing. Allele origin: germline.
Comment: In summary, the available evidence is currently insufficient to determine the role of this variant in disease. Therefore, it has been classified as a Variant of Uncertain Significance. Advanced modeling of protein sequence and biophysical properties (such as structural, functional, and spatial information, amino acid conservation, physicochemical variation, residue mobility, and thermodynamic stability) performed at Invitae indicates that this missense variant is expected to disrupt SDHD protein function. This variant has not been reported in the literature in individuals affected with SDHD-related conditions. This variant is not present in population databases (gnomAD no frequency). This sequence change replaces threonine, which is neutral and polar, with alanine, which is neutral and non-polar, at codon 67 of the SDHD protein (p.Thr67Ala).